The following is an entry in ClinVar:

NM_001040142.2(SCN2A):c.584A>G (p.Asp195Gly)

Gene: SCN2A (sodium voltage-gated channel alpha subunit 2; plus strand). Cytogenetic location: 2q24.3.
Variant type: single nucleotide variant.
Coding change: c.584A>G on transcript NM_001040142.2 (MANE Select); coding-DNA position 584, A replaced by G.
Protein change: p.Asp195Gly; replaces aspartic acid 195 with glycine.
Molecular consequence: missense variant.
Genome position (GRCh38, 1-based): chr2:165,308,773, A>G. VCF-style: chr2-165308773-A-G. GRCh37 (hg19) VCF-style: chr2-166165283-A-G.
Other names: c.584A>G, p.Asp195Gly (NM_001040143.2, NM_001371246.1, NM_001371247.1 and 1 more transcripts); short protein forms D195G.
Identifiers: ClinVar variation 985518 (VCV000985518.5), dbSNP rs1697272149, ClinGen allele CA349016721.

ClinVar aggregate classification (germline): Conflicting classifications of pathogenicity. Review status: criteria provided, conflicting classifications (1 of 4 stars). 2 submissions from 2 submitters: Likely pathogenic (1); Uncertain significance (1). Last evaluated 2018-04-17.

Conditions:
Inborn genetic diseases. Identifiers: MedGen C0950123, MeSH D030342.
Developmental and epileptic encephalopathy, 11 (DEE11). Also called: Early infantile epileptic encephalopathy 11. Identifiers: Orphanet 1934, MedGen C3150987, MONDO:0013388, OMIM 613721.

Submissions (2):

Ambry Genetics
Classification: Likely pathogenic for Inborn genetic diseases. Last evaluated: 2018-04-17. Review status: criteria provided, single submitter. Criteria: Ambry exome assertion method (8-5-2015). Collection method: clinical testing. Allele origin: germline. Affected: yes. Observed: 1 variant allele.

Neuberg Centre For Genomic Medicine, NCGM
Classification: Uncertain significance for Developmental and epileptic encephalopathy, 11. Review status: criteria provided, single submitter. Criteria: ACMG Guidelines, 2015. Collection method: clinical testing. Allele origin: germline. Affected: yes.
Comment: The missense variant p.D195G in SCN2A (NM_021007.3) is submitted to ClinVar as Likely Pathogenic but no details are available for independent assessment. It has not been reported in affected individuals in literature.The p.D195G variant is novel (not in any individuals) in gnomAD Exomes and is novel (not in any individuals) in 1000 Genomes. The p.D195G missense variant is predicted to be damaging by both SIFT and PolyPhen2. The aspartic acid residue at codon 195 of SCN2A is conserved in all mammalian species. The nucleotide c.584 in SCN2A is predicted conserved by GERP++ and PhyloP across 100 vertebrates. For these reasons, this variant has been classified as Unceratin Significance